The following is an entry in ClinVar:

ClinVar aggregate classification (germline): Benign/Likely benign. Review status: criteria provided, multiple submitters, no conflicts (2 of 4 stars). 5 submissions from 5 submitters: Benign (3); Likely benign (1). 1 of the submissions does not count toward it. Last evaluated 2025-03-18.

Conditions:
PLCB4-related disorder. Also called: PLCB4-related condition.
Auriculocondylar syndrome 2 (ARCND2A). Also called: AURICULOCONDYLAR SYNDROME 2A. Identifiers: Orphanet 137888, MedGen C3553404, MONDO:0013845, OMIM 614669.

Allele frequency attached by ClinVar (database versions not stated): gnomAD exomes 0.00023 and 0.00064; ExAC 0.00086; 1000 Genomes Project 0.00240; 1000 Genomes Project 30x 0.00250; ESP Exome Variant Server 0.00261; gnomAD 0.00284 and 0.00310; TOPMed 0.00329.
gnomAD v4.1: 794 of 1,613,916 alleles (0.049%); highest among the groups gnomAD compares: African/African-American, 0.91%; 7 homozygotes.

Submissions (5):

Labcorp Genetics (formerly Invitae), Labcorp
Classification: Benign. Last evaluated: 2025-03-18. Review status: criteria provided, single submitter. Criteria: Invitae Variant Classification Sherloc (09022015). Collection method: clinical testing. Allele origin: germline.

Blueprint Genetics
Classification: Likely benign. Last evaluated: 2024-11-07. Review status: criteria provided, single submitter. Criteria: ACMG Guidelines, 2015. Collection method: clinical testing. Allele origin: germline.

Illumina Laboratory Services, Illumina
Classification: Benign for Auriculocondylar syndrome 2. Last evaluated: 2018-01-12. Review status: criteria provided, single submitter. Criteria: ICSL Variant Classification Criteria 13 December 2019. Collection method: clinical testing. Allele origin: germline.
Comment: This variant was observed in the ICSL laboratory as part of a predisposition screen in an ostensibly healthy population. It had not been previously curated by ICSL or reported in the Human Gene Mutation Database (HGMD: prior to June 1st, 2018), and was therefore a candidate for classification through an automated scoring system. Utilizing variant allele frequency, disease prevalence and penetrance estimates, and inheritance mode, an automated score was calculated to assess if this variant is too frequent to cause the disease. Based on the score and internal cut-off values, a variant classified as benign is not then subjected to further curation. The score for this variant resulted in a classification of benign for this disease.

Breakthrough Genomics
Classification: Benign. Review status: criteria provided, single submitter. Criteria: ACMG Guidelines, 2015. Collection method: not provided. Allele origin: germline. Inheritance: Autosomal dominant inheritance. Affected: yes.

PreventionGenetics, part of Exact Sciences
Classification: Benign for PLCB4-related condition. Last evaluated: 2024-03-05. Review status: no assertion criteria provided. Collection method: clinical testing. Allele origin: germline. Not counted in ClinVar's aggregate classification.
Comment: This variant is classified as benign based on ACMG/AMP sequence variant interpretation guidelines (Richards et al. 2015 PMID: 25741868, with internal and published modifications).

NM_001377142.1(PLCB4):c.2628C>T (p.Asp876=)

Gene: PLCB4 (phospholipase C beta 4; plus strand). Cytogenetic location: 20p12.2.
Variant type: single nucleotide variant.
Coding change: c.2628C>T on transcript NM_001377142.1 (MANE Select); coding-DNA position 2628, C replaced by T.
Protein change: p.Asp876=; no amino-acid change (aspartic acid 876 retained).
Molecular consequence: synonymous variant.
Genome position (GRCh38, 1-based): chr20:9,437,016, C>T. VCF-style: chr20-9437016-C-T. GRCh37 (hg19) VCF-style: chr20-9417663-C-T.
Other names: c.2592C>T, p.Asp864= (NM_000933.4, NM_001377134.2, NM_001377135.1 and 2 more transcripts); c.2628C>T, p.Asp876= (NM_001172646.2, NM_001377143.1).
Identifiers: ClinVar variation 339580 (VCV000339580.15), dbSNP rs35218589, ClinGen allele CA9761436.
Genomic context (GRCh38, chr20:9,437,016, plus strand): 5'-CCTTGAGTGACATTCATTTGGGTCAATGTAAATGTTTCTGTTCCAGAGTGACATAGCCGA[C>T]GTGCCCAGTGACACTTCCAAAAATGACAAGAAAGGAAAGGCCAACACCGCCAAAGCAAAT-3'
Protein context (NP_001364071.1, residues 866-886): AMGIETSDIA[Asp876=]VPSDTSKNDK